The following is an entry in ClinVar:

NM_002693.3(POLG):c.3619del (p.Glu1207fs)

Gene: POLG (DNA polymerase gamma, catalytic subunit; minus strand). Cytogenetic location: 15q26.1.
Variant type: Deletion.
Coding change: c.3619del on transcript NM_002693.3 (MANE Select); coding-DNA position 3619, one base deleted (G; older notation c.3619delG).
Protein change: p.Glu1207fs; shifts the reading frame from glutamic acid 1207.
Molecular consequence: frameshift variant.
Genome position (GRCh38, 1-based): chr15:89,317,400, C deleted on the plus strand (G on the coding strand, the reverse complement: POLG is on the minus strand); the first of 2 consecutive C bases (chr15:89,317,400-89,317,401); deleting either gives the same sequence. VCF-style (leftmost placement, unchanged base first): chr15-89317399-TC-T. GRCh37 (hg19) VCF-style: chr15-89860630-TC-T.
Other names: c.3619del, p.Glu1207fs (NM_001126131.2); short protein forms E1207fs.
Identifiers: ClinVar variation 4873798 (VCV004873798.3).

ClinVar aggregate classification (germline): Likely pathogenic. Review status: criteria provided, multiple submitters, no conflicts (2 of 4 stars). 2 submissions from 2 submitters: Likely pathogenic (2). Last evaluated 2026-06-01.

Conditions:
POLG-related disorder. Also called: POLG-Related Spectrum Disorders; POLG-related condition; POLG-Related Disorders. Identifiers: MedGen C4763519.

Submissions (2):

CeGaT Center for Human Genetics Tuebingen
Classification: Likely pathogenic. Last evaluated: 2026-06-01. Review status: criteria provided, single submitter. Criteria: CeGaT Center For Human Genetics Tuebingen Variant Classification Criteria Version 2. Collection method: clinical testing. Allele origin: germline. Affected: yes. Observed: 1 variant allele.
Comment: POLG: PVS1:Strong, PM2

Blueprint Genetics
Classification: Likely pathogenic for POLG-related disorders. Last evaluated: 2023-11-02. Review status: criteria provided, single submitter. Criteria: ACMG Guidelines, 2015. Collection method: clinical testing. Allele origin: germline. Affected: yes. Observed: 1 variant allele.